The following is an entry in ClinVar:

NM_006204.4(PDE6C):c.1652C>T (p.Thr551Ile)

Gene: PDE6C (phosphodiesterase 6C; plus strand). Cytogenetic location: 10q23.33.
Variant type: single nucleotide variant.
Coding change: c.1652C>T on transcript NM_006204.4 (MANE Select); coding-DNA position 1652, C replaced by T.
Protein change: p.Thr551Ile; replaces threonine 551 with isoleucine.
Molecular consequence: missense variant.
Genome position (GRCh38, 1-based): chr10:93,640,472, C>T. VCF-style: chr10-93640472-C-T. GRCh37 (hg19) VCF-style: chr10-95400229-C-T.
Other names: short protein forms T551I.
Identifiers: ClinVar variation 1521498 (VCV001521498.8), dbSNP rs1389811259, ClinGen allele CA377618491.

ClinVar aggregate classification (germline): Uncertain significance (1 of 4 stars; one submission).

Allele frequency attached by ClinVar (database versions not stated): gnomAD exomes below 0.00001.
gnomAD v4.1: 1 of 1,613,000 alleles (0.000062%); highest among the groups gnomAD compares: South Asian, 0.0011%; no homozygotes.

Submission:

Labcorp Genetics (formerly Invitae), Labcorp
Classification: Uncertain significance. Last evaluated: 2021-03-30. Review status: criteria provided, single submitter. Criteria: Invitae Variant Classification Sherloc (09022015). Collection method: clinical testing. Allele origin: germline.
Comment: This variant is not present in population databases (ExAC no frequency). This sequence change replaces threonine with isoleucine at codon 551 of the PDE6C protein (p.Thr551Ile). The threonine residue is highly conserved and there is a moderate physicochemical difference between threonine and isoleucine. In summary, the available evidence is currently insufficient to determine the role of this variant in disease. Therefore, it has been classified as a Variant of Uncertain Significance. Algorithms developed to predict the effect of missense changes on protein structure and function (SIFT, PolyPhen-2, Align-GVGD) all suggest that this variant is likely to be disruptive, but these predictions have not been confirmed by published functional studies and their clinical significance is uncertain. This variant has not been reported in the literature in individuals with PDE6C-related conditions.